The following is an entry in ClinVar:

NM_138694.4(PKHD1):c.4235del (p.Leu1412fs)

Gene: PKHD1 (PKHD1 ciliary IPT domain containing fibrocystin/polyductin; minus strand). Cytogenetic location: 6p12.2.
Variant type: Deletion.
Coding change: c.4235del on transcript NM_138694.4 (MANE Select); coding-DNA position 4235, one base deleted (T; older notation c.4235delT).
Protein change: p.Leu1412fs; shifts the reading frame from leucine 1412.
Molecular consequence: frameshift variant.
Genome position (GRCh38, 1-based): chr6:52,025,575, A deleted on the plus strand (T on the coding strand, the reverse complement: PKHD1 is on the minus strand); the first of 2 consecutive A bases (chr6:52,025,575-52,025,576); deleting either gives the same sequence. VCF-style (leftmost placement, unchanged base first): chr6-52025574-CA-C. GRCh37 (hg19) VCF-style: chr6-51890372-CA-C.
Other names: c.4235del, p.Leu1412fs (NM_170724.3); short protein forms L1412fs.
Identifiers: ClinVar variation 1422530 (VCV001422530.6), dbSNP rs2128144488, ClinGen allele CA2573140975.

ClinVar aggregate classification (germline): Pathogenic (1 of 4 stars; one submission).

Conditions:
Autosomal recessive polycystic kidney disease (ARPKD). Also called: AR polycystic kidney disease. Identifiers: Orphanet 731, Orphanet 8378, MedGen C0085548, MeSH D017044, MONDO:0009889.

Submission:

Labcorp Genetics (formerly Invitae), Labcorp
Classification: Pathogenic for Autosomal recessive polycystic kidney disease. Last evaluated: 2021-04-20. Review status: criteria provided, single submitter. Criteria: Invitae Variant Classification Sherloc (09022015). Collection method: clinical testing. Allele origin: germline.
Comment: For these reasons, this variant has been classified as Pathogenic. This variant has not been reported in the literature in individuals with PKHD1-related conditions. This variant is not present in population databases (ExAC no frequency). This sequence change creates a premature translational stop signal (p.Leu1412Cysfs*21) in the PKHD1 gene. It is expected to result in an absent or disrupted protein product. Loss-of-function variants in PKHD1 are known to be pathogenic (PMID: 19940839).

Literature cited by the submitters: PubMed 19940839.